The following is an entry in ClinVar:

NM_033641.4(COL4A6):c.22C>T (p.Leu8Phe)

Gene: COL4A6 (collagen type IV alpha 6 chain; minus strand). Cytogenetic location: Xq22.3.
Variant type: single nucleotide variant.
Coding change: c.22C>T on transcript NM_033641.4 (MANE Select); coding-DNA position 22, C replaced by T.
Protein change: p.Leu8Phe; replaces leucine 8 with phenylalanine.
Molecular consequence: missense variant.
Genome position (GRCh38, 1-based): chrX:108,437,983, G>A on the plus strand (C>T on the coding strand, the complement: COL4A6 is on the minus strand). VCF-style: chrX-108437983-G-A. GRCh37 (hg19) VCF-style: chrX-107681213-G-A.
Other names: c.22C>T, p.Leu8Phe (NM_001287758.2, NM_001287759.2, NM_001287760.2); c.25C>T, p.Leu9Phe (NM_001847.4); short protein forms L9F, L8F.
Identifiers: ClinVar variation 2800571 (VCV002800571.3), dbSNP rs773665272, ClinGen allele CA413905760.

ClinVar aggregate classification (germline): Uncertain significance (1 of 4 stars; one submission).

Allele frequency attached by ClinVar (database versions not stated): gnomAD 0.00001; TOPMed 0.00001.

Submission:

Labcorp Genetics (formerly Invitae), Labcorp
Classification: Uncertain significance. Last evaluated: 2024-03-18. Review status: criteria provided, single submitter. Criteria: Invitae Variant Classification Sherloc (09022015). Collection method: clinical testing. Allele origin: germline.
Comment: This sequence change replaces leucine, which is neutral and non-polar, with phenylalanine, which is neutral and non-polar, at codon 9 of the COL4A6 protein (p.Leu9Phe). This variant is not present in population databases (gnomAD no frequency). This variant has not been reported in the literature in individuals affected with COL4A6-related conditions. Algorithms developed to predict the effect of missense changes on protein structure and function output the following: SIFT: "Not Available"; PolyPhen-2: "Not Available"; Align-GVGD: "Not Available". The phenylalanine amino acid residue is found in multiple mammalian species, which suggests that this missense change does not adversely affect protein function. In summary, the available evidence is currently insufficient to determine the role of this variant in disease. Therefore, it has been classified as a Variant of Uncertain Significance.